The following is an entry in ClinVar:

ClinVar aggregate classification (germline): Likely benign (1 of 4 stars; one submission).

Allele frequency attached by ClinVar (database versions not stated): gnomAD exomes 0.00004; ExAC 0.00006; ESP Exome Variant Server 0.00008; TOPMed 0.00019; gnomAD 0.00020.
gnomAD v4.1: 86 of 1,613,434 alleles (0.0053%); highest among the groups gnomAD compares: African/African-American, 0.085%; no homozygotes.

Submission:

CeGaT Center for Human Genetics Tuebingen
Classification: Likely benign. Last evaluated: 2023-04-01. Review status: criteria provided, single submitter. Criteria: CeGaT Center For Human Genetics Tuebingen Variant Classification Criteria Version 2. Collection method: clinical testing. Allele origin: germline. Affected: yes. Observed: 1 variant allele.
Comment: KEL: BP4, BP7

NM_000420.3(KEL):c.2106C>T (p.His702=)

Gene: KEL (Kell metallo-endopeptidase (Kell blood group); minus strand). Cytogenetic location: 7q34.
Variant type: single nucleotide variant.
Coding change: c.2106C>T on transcript NM_000420.3 (MANE Select); coding-DNA position 2106, C replaced by T.
Protein change: p.His702=; no amino-acid change (histidine 702 retained).
Molecular consequence: synonymous variant.
Genome position (GRCh38, 1-based): chr7:142,941,345, G>A on the plus strand (C>T on the coding strand, the complement: KEL is on the minus strand). VCF-style: chr7-142941345-G-A. GRCh37 (hg19) VCF-style: chr7-142638432-G-A.
Identifiers: ClinVar variation 2658109 (VCV002658109.24), dbSNP rs144264665, ClinGen allele CA4533964.
Genomic context (GRCh38, chr7:142,941,345, plus strand): 5'-GAGAGCACCACGTGCACAGCGGAAATACCTGGCAAAGGCTGGGGTGCTGCTGAGGGGCCC[G>A]TGGACTCGGAGGTGTGGAGGGCTGTGAGTGTCGTGAGAGTCCTGGGGGCTGGGCTTCCTA-3'
Protein context (NP_000411.1, residues 692-712): DTHSPPHLRV[His702=]GPLSSTPAFA